The following is an entry in ClinVar:

NM_006005.3(WFS1):c.1965G>T (p.Glu655Asp)

Gene: WFS1 (wolframin ER transmembrane glycoprotein; plus strand). Cytogenetic location: 4p16.1.
Variant type: single nucleotide variant.
Coding change: c.1965G>T on transcript NM_006005.3 (MANE Select); coding-DNA position 1965, G replaced by T.
Protein change: p.Glu655Asp; replaces glutamic acid 655 with aspartic acid.
Molecular consequence: missense variant.
Genome position (GRCh38, 1-based): chr4:6,301,760, G>T. VCF-style: chr4-6301760-G-T. GRCh37 (hg19) VCF-style: chr4-6303487-G-T.
Other names: c.1965G>T, p.Glu655Asp (NM_001145853.1); short protein forms E655D.
Identifiers: ClinVar variation 1316029 (VCV001316029.2), dbSNP rs1452508606, ClinGen allele CA356177190.

ClinVar aggregate classification (germline): Uncertain significance (1 of 4 stars; one submission).

gnomAD v4.1: 6 of 1,613,726 alleles (0.00037%); highest among the groups gnomAD compares: Non-Finnish European, 0.00051%; no homozygotes.

Submission:

GeneDx
Classification: Uncertain significance. Last evaluated: 2019-12-13. Review status: criteria provided, single submitter. Criteria: GeneDx Variant Classification Process June 2021. Collection method: clinical testing. Allele origin: germline. Affected: yes.
Comment: Not observed in large population cohorts (Lek et al., 2016); In silico analysis, which includes protein predictors and evolutionary conservation, supports that this variant does not alter protein structure/function; Has not been previously published as pathogenic or benign to our knowledge; A different missense change at this residue (E655K) has been reported in the Human Gene Mutation Database (Stenson et al., 2014)